The following is an entry in ClinVar:

NM_006031.6(PCNT):c.3626C>A (p.Thr1209Lys)

Gene: PCNT (pericentrin; plus strand). Cytogenetic location: 21q22.3.
Variant type: single nucleotide variant.
Coding change: c.3626C>A on transcript NM_006031.6 (MANE Select); coding-DNA position 3626, C replaced by A.
Protein change: p.Thr1209Lys; replaces threonine 1209 with lysine.
Molecular consequence: missense variant.
Genome position (GRCh38, 1-based): chr21:46,389,217, C>A. VCF-style: chr21-46389217-C-A. GRCh37 (hg19) VCF-style: chr21-47809132-C-A.
Other names: c.3272C>A, p.Thr1091Lys (NM_001315529.2); short protein forms T1091K, T1209K.
Identifiers: ClinVar variation 4987018 (VCV004987018.1).

ClinVar aggregate classification (germline): Uncertain significance (1 of 4 stars; one submission).

Conditions:
PCNT-related disorder. Also called: PCNT-related condition.

Submission:

PreventionGenetics, part of Exact Sciences
Classification: Uncertain significance for PCNT-related condition. Last evaluated: 2025-03-07. Review status: criteria provided, single submitter. Criteria: ACMG Guidelines, 2015. Collection method: clinical testing. Allele origin: germline.
Comment: The PCNT c.3626C>A variant is predicted to result in the amino acid substitution p.Thr1209Lys. To our knowledge, this variant has not been reported in the literature or in a large population database, indicating this variant is rare. At this time, the clinical significance of this variant is uncertain due to the absence of conclusive functional and genetic evidence.